The following is an entry in ClinVar:

NM_025114.4(CEP290):c.4837C>G (p.Pro1613Ala)

Gene: CEP290 (centrosomal protein 290; minus strand). Cytogenetic location: 12q21.32.
Variant type: single nucleotide variant.
Coding change: c.4837C>G on transcript NM_025114.4 (MANE Select); coding-DNA position 4837, C replaced by G.
Protein change: p.Pro1613Ala; replaces proline 1613 with alanine.
Molecular consequence: missense variant.
Genome position (GRCh38, 1-based): chr12:88,083,206, G>C on the plus strand (C>G on the coding strand, the complement: CEP290 is on the minus strand). VCF-style: chr12-88083206-G-C. GRCh37 (hg19) VCF-style: chr12-88476983-G-C.
Other names: short protein forms P1613A.
Identifiers: ClinVar variation 530920 (VCV000530920.10), dbSNP rs769280708, ClinGen allele CA6711843.
Genomic context (GRCh38, chr12:88,083,206, plus strand): 5'-GTTCTGCTACTGTCTGTTCCATCTCAGCCAGACGAATAAAATGCTTGTTGGTAGGAACTG[G>C]AGTGGGAGACTGTTTCATTAAATCCTATAAAATATGAATATATTAGCAATAGGCATGTAT-3'
Protein context (NP_079390.3, residues 1603-1623): AWDLMKQSPT[Pro1613Ala]VPTNKHFIRL

ClinVar aggregate classification (germline): Uncertain significance. Review status: criteria provided, multiple submitters, no conflicts (2 of 4 stars). 6 submissions from 6 submitters: Uncertain significance (5). 1 of the submissions does not count toward it. Last evaluated 2025-09-30.

Conditions:
Inborn genetic diseases. Identifiers: MedGen C0950123, MeSH D030342.
Leber congenital amaurosis (LCA). Also called: Leber's amaurosis. Identifiers: Orphanet 65, MedGen C0339527, MeSH D057130, MONDO:0018998.
CEP290-related disorder. Also called: CEP290-related disorders; CEP290-related condition. Identifiers: MedGen CN239314.
Joubert syndrome 5 (JBTS5). Identifiers: Orphanet 2318, MedGen C1857780, MONDO:0012432, OMIM 610188.
Senior-Loken syndrome 6 (SLSN6). Identifiers: Orphanet 3156, MedGen C1857779, MONDO:0012433, OMIM 610189.
Bardet-Biedl syndrome 14 (BBS14). Identifiers: Orphanet 110, MedGen C2673874, MONDO:0014442, OMIM 615991.
Leber congenital amaurosis 10 (LCA10). Identifiers: Orphanet 65, MedGen C1857821, MONDO:0012723, OMIM 611755.
Meckel syndrome, type 4 (MKS4). Also called: MECKEL-GRUBER SYNDROME, TYPE 4. Identifiers: Orphanet 564, MedGen C1970161, MONDO:0012626, OMIM 611134.
Meckel-Gruber syndrome. Also called: GRUBER SYNDROME; DYSENCEPHALIA SPLANCHNOCYSTICA; Dysencephalia splachnocystica. Identifiers: Orphanet 564, MedGen C0265215, MONDO:0018921.
Joubert syndrome. Also called: JOUBERT-BOLTSHAUSER SYNDROME; Familial aplasia of the vermis. Identifiers: Orphanet 475, MedGen C5979921, MONDO:0018772.
Nephronophthisis. Also called: Juvenile Nephronophthisis. Identifiers: Orphanet 655, MedGen C0687120, MONDO:0019005, HP:0000090.

Allele frequency attached by ClinVar (database versions not stated): gnomAD exomes 0.00002; gnomAD 0.00003; ExAC 0.00004; TOPMed 0.00004.
gnomAD v4.1: 26 of 1,502,988 alleles (0.0017%); highest among the groups gnomAD compares: Admixed American, 0.01%; no homozygotes.

Submissions (6):

PreventionGenetics, part of Exact Sciences
Classification: Uncertain significance for CEP290-related condition. Last evaluated: 2025-09-30. Review status: criteria provided, single submitter. Criteria: ACMG Guidelines, 2015. Collection method: clinical testing. Allele origin: germline.
Comment: The CEP290 c.4837C>G variant is predicted to result in the amino acid substitution p.Pro1613Ala. To our knowledge, this variant has not been reported in the literature. This variant is reported in 0.0078% of alleles in individuals of Latino descent in gnomAD. At this time, the clinical significance of this variant is uncertain due to the absence of conclusive functional and genetic evidence.

Ambry Genetics
Classification: Uncertain significance for Inborn genetic diseases. Last evaluated: 2024-02-26. Review status: criteria provided, single submitter. Criteria: Ambry Variant Classification Scheme 2023. Collection method: clinical testing. Allele origin: germline.

Blueprint Genetics
Classification: Uncertain significance. Last evaluated: 2023-03-27. Review status: criteria provided, single submitter. Criteria: ACMG Guidelines, 2015. Collection method: clinical testing. Allele origin: germline.

Labcorp Genetics (formerly Invitae), Labcorp
Classification: Uncertain significance for Joubert syndrome; Meckel-Gruber syndrome; Nephronophthisis. Last evaluated: 2022-08-23. Review status: criteria provided, single submitter. Criteria: Invitae Variant Classification Sherloc (09022015). Collection method: clinical testing. Allele origin: germline.
Comment: This sequence change replaces proline, which is neutral and non-polar, with alanine, which is neutral and non-polar, at codon 1613 of the CEP290 protein (p.Pro1613Ala). This variant is present in population databases (rs769280708, gnomAD 0.008%). This variant has not been reported in the literature in individuals affected with CEP290-related conditions. ClinVar contains an entry for this variant (Variation ID: 530920). Algorithms developed to predict the effect of missense changes on protein structure and function (SIFT, PolyPhen-2, Align-GVGD) all suggest that this variant is likely to be tolerated. In summary, the available evidence is currently insufficient to determine the role of this variant in disease. Therefore, it has been classified as a Variant of Uncertain Significance.

Fulgent Genetics
Classification: Uncertain significance for Joubert syndrome 5; Senior-Loken syndrome 6; Meckel syndrome, type 4; Leber congenital amaurosis 10; Bardet-Biedl syndrome 14. Last evaluated: 2022-04-10. Review status: criteria provided, single submitter. Criteria: ACMG Guidelines, 2015. Collection method: clinical testing. Allele origin: unknown.

Natera, Inc.
Classification: Uncertain significance for Leber congenital amaurosis. Last evaluated: 2019-10-28. Review status: no assertion criteria provided. Collection method: clinical testing. Allele origin: germline. Not counted in ClinVar's aggregate classification.